The following is an entry in ClinVar:

ClinVar aggregate classification (germline): Pathogenic. Review status: criteria provided, multiple submitters, no conflicts (2 of 4 stars). 6 submissions from 6 submitters: Pathogenic (5). 1 of the submissions does not count toward it. Last evaluated 2026-01-14.

Conditions:
Arginase deficiency. Also called: ARG1 DEFICIENCY; Arginase 1 Deficiency; ARGININEMIA. Identifiers: Orphanet 90, MedGen C0268548, MONDO:0008814, OMIM 207800.

Allele frequency attached by ClinVar (database versions not stated): gnomAD 0.00001 and 0.00002; gnomAD exomes 0.00001 and below 0.00001; ExAC 0.00002; TOPMed 0.00001.
gnomAD v4.1: 4 of 1,613,778 alleles (0.00025%); highest among the groups gnomAD compares: African/African-American, 0.0053%; no homozygotes.

Submissions (6):

3billion
Classification: Pathogenic for Arginase deficiency. Last evaluated: 2026-01-14. Review status: criteria provided, single submitter. Criteria: ACMG Guidelines, 2015. Collection method: clinical testing. Allele origin: germline. Affected: yes.
Comment: The variant is observed at an extremely low frequency in the gnomAD v4.1.0 dataset (total allele frequency: <0.001%). Predicted Consequence/Location: Stop-gained (nonsense): predicted to result in a loss or disruption of normal protein function through nonsense-mediated decay (NMD) or protein truncation. Multiple pathogenic variants are reported downstream of the variant. The variant has been reported at least twice as pathogenic with clinical assertions and evidence for the classification (ClinVar ID: VCV000002390 /PMID: 1463019). Therefore, this variant is classified as Pathogenic according to the recommendation of ACMG/AMP guideline.

Dasa
Classification: Pathogenic. Last evaluated: 2025-11-23. Review status: criteria provided, single submitter. Criteria: DASA Assertion Criteria. Collection method: clinical testing. Allele origin: germline.
Comment: NM_000045.4(ARG1):c.365G>A (p.Trp122*) introduces a premature termination codon predicted to result in loss of normal protein function. Loss-of-function is an established mechanism of disease for this gene. This variant has been observed in affected individuals with related phenotype in a genotype context consistent with recessive disease (PMID: 1463019). Functional evidence supports a deleterious effect on the gene or gene product (PMID: 1463019). This variant has been reported in individuals with related phenotype (PMID: 1463019). The variant is present at low frequency in population datasets. Based on the available data, this variant is classified as pathogenic.

Labcorp Genetics (formerly Invitae), Labcorp
Classification: Pathogenic for Arginase deficiency. Last evaluated: 2025-07-20. Review status: criteria provided, single submitter. Criteria: Invitae Variant Classification Sherloc (09022015). Collection method: clinical testing. Allele origin: germline.
Comment: This sequence change creates a premature translational stop signal (p.Trp122*) in the ARG1 gene. It is expected to result in an absent or disrupted protein product. Loss-of-function variants in ARG1 are known to be pathogenic (PMID: 7649538, 12052859). This variant is present in population databases (rs104893947, gnomAD 0.01%). This premature translational stop signal has been observed in individual(s) with arginase deficiency (PMID: 1463019). In at least one individual the data is consistent with being in trans (on the opposite chromosome) from a pathogenic variant. ClinVar contains an entry for this variant (Variation ID: 2390). Algorithms developed to predict the effect of sequence changes on RNA splicing suggest that this variant may disrupt the consensus splice site. For these reasons, this variant has been classified as Pathogenic.

Baylor Genetics
Classification: Pathogenic for Arginase deficiency. Last evaluated: 2024-01-03. Review status: criteria provided, single submitter. Criteria: ACMG Guidelines, 2015. Collection method: clinical testing. Allele origin: unknown.

GeneDx
Classification: Pathogenic. Last evaluated: 2023-09-05. Review status: criteria provided, single submitter. Criteria: GeneDx Variant Classification Process June 2021. Collection method: clinical testing. Allele origin: germline. Affected: yes.
Comment: Nonsense variant predicted to result in protein truncation or nonsense mediated decay in a gene for which loss-of-function is a known mechanism of disease; Not observed at significant frequency in large population cohorts (gnomAD); This variant is associated with the following publications: (PMID: 25525159, 33542202, 1463019, 22959135, 24814679, 34646736)

OMIM
Classification: Pathogenic for ARGININEMIA. Last evaluated: 1992-12-01. Review status: no assertion criteria provided. Collection method: literature only. Allele origin: germline. Not counted in ClinVar's aggregate classification.

Literature cited by the submitters: PubMed 1463019 (cited by 4 submitters); PubMed 7649538 (cited by Labcorp Genetics (formerly Invitae), Labcorp); PubMed 12052859 (cited by Labcorp Genetics (formerly Invitae), Labcorp).

NM_000045.4(ARG1):c.365G>A (p.Trp122Ter)

Genes: ARG1 (arginase 1; plus strand), MED23 (mediator complex subunit 23; minus strand). Cytogenetic location: 6q23.2.
Variant type: single nucleotide variant.
Coding change: c.365G>A on transcript NM_000045.4 (MANE Select); coding-DNA position 365, G replaced by A.
Protein change: p.Trp122Ter; replaces tryptophan 122 with a stop codon.
Molecular consequence: nonsense. On other transcripts: non-coding transcript variant (1), intron variant (3).
Genome position (GRCh38, 1-based): chr6:131,581,278, G>A. VCF-style: chr6-131581278-G-A. GRCh37 (hg19) VCF-style: chr6-131902418-G-A.
Other names: c.389G>A, p.Trp130Ter (NM_001244438.2); c.306-1782G>A (NM_001369020.1); c.4077+6431C>T (NM_001270521.2); c.4095+6431C>T (NM_015979.4); short protein forms W122*, W130*.
Identifiers: ClinVar variation 2390 (VCV000002390.13), dbSNP rs104893947, ClinGen allele CA339972.